The following is an entry in ClinVar:

ClinVar aggregate classification (germline): Uncertain significance (1 of 4 stars; one submission).

gnomAD v4.1: 5 of 1,613,720 alleles (0.00031%); highest among the groups gnomAD compares: South Asian, 0.0055%; no homozygotes.

Submission:

Labcorp Genetics (formerly Invitae), Labcorp
Classification: Uncertain significance. Last evaluated: 2024-11-11. Review status: criteria provided, single submitter. Criteria: Invitae Variant Classification Sherloc (09022015). Collection method: clinical testing. Allele origin: germline.
Comment: This sequence change falls in intron 8 of the ARHGEF18 gene. It does not directly change the encoded amino acid sequence of the ARHGEF18 protein. It affects a nucleotide within the consensus splice site. This variant is present in population databases (rs369863950, gnomAD 0.02%). This variant has not been reported in the literature in individuals affected with ARHGEF18-related conditions. ClinVar contains an entry for this variant (Variation ID: 1056187). Variants that disrupt the consensus splice site are a relatively common cause of aberrant splicing (PMID: 17576681, 9536098). Algorithms developed to predict the effect of sequence changes on RNA splicing suggest that this variant is not likely to affect RNA splicing. In summary, the available evidence is currently insufficient to determine the role of this variant in disease. Therefore, it has been classified as a Variant of Uncertain Significance.

Literature cited by the submitters: PubMed 17576681; PubMed 9536098.

NM_001367823.1(ARHGEF18):c.2181+4T>A

Gene: ARHGEF18 (Rho/Rac guanine nucleotide exchange factor 18; plus strand). Cytogenetic location: 19p13.2.
Variant type: single nucleotide variant.
Coding change: c.2181+4T>A on transcript NM_001367823.1 (MANE Select); 4 bases into the intron after coding-DNA position 2181, T replaced by A.
Molecular consequence: intron variant.
Genome position (GRCh38, 1-based): chr19:7,456,407, T>A. VCF-style: chr19-7456407-T-A. GRCh37 (hg19) VCF-style: chr19-7521293-T-A.
Other names: c.1143+4T>A (NM_001367824.1, NM_015318.4); c.1455+4T>A (NM_001130955.2).
Identifiers: ClinVar variation 1056187 (VCV001056187.9), dbSNP rs369863950, ClinGen allele CA9136735.